The following is an entry in ClinVar:

NM_007294.4(BRCA1):c.1501A>C (p.Lys501Gln)

Gene: BRCA1 (BRCA1 DNA repair associated; minus strand). Cytogenetic location: 17q21.31.
Variant type: single nucleotide variant.
Coding change: c.1501A>C on transcript NM_007294.4 (MANE Select); coding-DNA position 1501, A replaced by C.
Protein change: p.Lys501Gln; replaces lysine 501 with glutamine.
Molecular consequence: missense variant. On other transcripts: intron variant (137).
Genome position (GRCh38, 1-based): chr17:43,094,030, T>G on the plus strand (A>C on the coding strand, the complement: BRCA1 is on the minus strand). VCF-style: chr17-43094030-T-G. GRCh37 (hg19) VCF-style: chr17-41246047-T-G.
Other names: c.661+714A>C (NM_001408434.1, NM_001408447.1, NM_001408433.1 and 6 more transcripts); c.784+714A>C (NM_001408398.1, NM_001407992.1, NM_001408400.1 and 13 more transcripts); c.664+714A>C (NM_001408440.1, NM_001408428.1, NM_001408442.1 and 12 more transcripts); c.670+1816A>C (NM_001408418.1, NM_001408423.1, NM_001408420.1 and 2 more transcripts); c.787+714A>C (NM_001407981.1, NM_007298.4, NM_001407978.1 and 19 more transcripts); c.643+714A>C (NM_001408462.1, NM_001408470.1, NM_001408464.1 and 3 more transcripts); c.709+714A>C (NM_001408414.1, NM_001408415.1, NM_001408411.1 and 2 more transcripts); c.646+714A>C (NM_001408410.1, NM_001408458.1, NM_001408469.1 and 11 more transcripts); and 40 more; short protein forms K501Q, K454Q, K413Q, K430Q, K474Q, K373Q, K431Q, K459Q.
Identifiers: ClinVar variation 819382 (VCV000819382.11), dbSNP rs1064793883, ClinGen allele CA10599045.

ClinVar aggregate classification (germline): Conflicting classifications of pathogenicity. Review status: criteria provided, conflicting classifications (1 of 4 stars). 3 submissions from 3 submitters: Uncertain significance (2); Likely benign (1). Last evaluated 2023-09-21.

Conditions:
Hereditary cancer-predisposing syndrome. Also called: Tumor predisposition; Hereditary neoplastic syndrome; Neoplastic Syndromes, Hereditary; Hereditary Cancer Syndrome. Identifiers: Orphanet 140162, MedGen C0027672, MeSH D009386, MONDO:0015356.
Hereditary breast ovarian cancer syndrome. Also called: Hereditary breast and ovarian cancer syndrome (HBOC); Breast and ovarian cancer; BRCA1- and BRCA2-Associated Hereditary Breast and Ovarian Cancer; Hereditary breast and/or ovarian cancer syndrome; Hereditary breast and ovarian cancer syndrome; Hereditary breast and ovarian cancer. Identifiers: Orphanet 145, MedGen C0677776, MeSH D061325, MONDO:0003582. Disease mechanism: loss of function.

Submissions (3):

Labcorp Genetics (formerly Invitae), Labcorp
Classification: Uncertain significance for Hereditary breast ovarian cancer syndrome. Last evaluated: 2023-09-21. Review status: criteria provided, single submitter. Criteria: Invitae Variant Classification Sherloc (09022015). Collection method: clinical testing. Allele origin: germline.
Comment: In summary, the available evidence is currently insufficient to determine the role of this variant in disease. Therefore, it has been classified as a Variant of Uncertain Significance. Advanced modeling of protein sequence and biophysical properties (such as structural, functional, and spatial information, amino acid conservation, physicochemical variation, residue mobility, and thermodynamic stability) performed at Invitae indicates that this missense variant is not expected to disrupt BRCA1 protein function. ClinVar contains an entry for this variant (Variation ID: 819382). This variant has not been reported in the literature in individuals affected with BRCA1-related conditions. This variant is not present in population databases (gnomAD no frequency). This sequence change replaces lysine, which is basic and polar, with glutamine, which is neutral and polar, at codon 501 of the BRCA1 protein (p.Lys501Gln).

Ambry Genetics
Classification: Uncertain significance for Hereditary cancer-predisposing syndrome. Last evaluated: 2023-06-09. Review status: criteria provided, single submitter. Criteria: Ambry Variant Classification Scheme 2023. Collection method: clinical testing. Allele origin: germline.
Comment: The p.K501Q variant (also known as c.1501A>C), located in coding exon 9 of the BRCA1 gene, results from an A to C substitution at nucleotide position 1501. The lysine at codon 501 is replaced by glutamine, an amino acid with similar properties. This amino acid position is well conserved in available vertebrate species. In addition, the in silico prediction for this alteration is inconclusive. Since supporting evidence is limited at this time, the clinical significance of this alteration remains unclear.

University of Washington Department of Laboratory Medicine, University of Washington
Classification: Likely benign for Hereditary cancer-predisposing syndrome. Last evaluated: 2023-03-23. Review status: criteria provided, single submitter. Criteria: Dines et al. (Genet Med. 2020). Collection method: curation. Allele origin: germline.
Comment: Missense variant in a coldspot region where missense variants are very unlikely to be pathogenic (PMID:31911673).

BRCA1 coldspot (exon 11 using historical exon numbering). Reclassification based on statistical prior probability